The following is an entry in ClinVar:

ClinVar aggregate classification (germline): Uncertain significance (1 of 4 stars; one submission).

Conditions:
Bethlem myopathy 1A. Also called: Bethlem myopathy 1; MYOPATHY, BENIGN CONGENITAL, WITH CONTRACTURES; Bethlem Muscular Dystrophy. Identifiers: Orphanet 610, MedGen CN029274, MONDO:0024530, OMIM 158810.

Allele frequency attached by ClinVar (database versions not stated): ExAC 0.00001; gnomAD exomes 0.00001.
gnomAD v4.1: 3 of 1,611,080 alleles (0.00019%); highest among the groups gnomAD compares: East Asian, 0.0045%; no homozygotes.

Submission:

Labcorp Genetics (formerly Invitae), Labcorp
Classification: Uncertain significance for Bethlem myopathy 1A. Last evaluated: 2024-01-29. Review status: criteria provided, single submitter. Criteria: Invitae Variant Classification Sherloc (09022015). Collection method: clinical testing. Allele origin: germline.
Comment: This sequence change falls in intron 42 of the COL6A3 gene. It does not directly change the encoded amino acid sequence of the COL6A3 protein. This variant is present in population databases (rs775663087, gnomAD 0.02%). This variant has not been reported in the literature in individuals affected with COL6A3-related conditions. Algorithms developed to predict the effect of sequence changes on RNA splicing suggest that this variant may disrupt the consensus splice site. In summary, the available evidence is currently insufficient to determine the role of this variant in disease. Therefore, it has been classified as a Variant of Uncertain Significance.

NM_004369.4(COL6A3):c.9329-14T>A

Gene: COL6A3 (collagen type VI alpha 3 chain; minus strand). Cytogenetic location: 2q37.3.
Variant type: single nucleotide variant.
Coding change: c.9329-14T>A on transcript NM_004369.4 (MANE Select); 14 bases into the intron before coding-DNA position 9329, T replaced by A.
Molecular consequence: intron variant.
Genome position (GRCh38, 1-based): chr2:237,325,738, A>T on the plus strand (T>A on the coding strand, the complement: COL6A3 is on the minus strand). VCF-style: chr2-237325738-A-T. GRCh37 (hg19) VCF-style: chr2-238234381-A-T.
Other names: c.7508-14T>A (NM_057166.5); c.8711-14T>A (NM_057167.4).
Identifiers: ClinVar variation 2791406 (VCV002791406.3), dbSNP rs775663087, ClinGen allele CA2187294.
Genomic context (GRCh38, chr2:237,325,738, plus strand): 5'-TATGAAATCCCTGCAAGTTCCTTCGTCTTTCGGCAACTTGCATATATCTTTAATAAAAAC[A>T]TGAGAAAAGGATATTAATGAGAACATGCGTGTTACTCGGCTCCCAGTGCTGGGGCTGACA-3'